The following is an entry in ClinVar:

ClinVar aggregate classification (germline): Uncertain significance (1 of 4 stars; one submission).

gnomAD v4.1: 2 of 1,611,968 alleles (0.00012%); highest among the groups gnomAD compares: Non-Finnish European, 0.00017%; no homozygotes.

Submission:

Ambry Genetics
Classification: Uncertain significance. Last evaluated: 2023-01-22. Review status: criteria provided, single submitter. Criteria: Ambry Variant Classification Scheme 2023. Collection method: clinical testing. Allele origin: germline.
Comment: The p.T901I variant (also known as c.2702C>T), located in coding exon 4 of the ALPK2 gene, results from a C to T substitution at nucleotide position 2702. The threonine at codon 901 is replaced by isoleucine, an amino acid with similar properties. This amino acid position is conserved. In addition, this alteration is predicted to be tolerated by in silico analysis. Since supporting evidence is limited at this time, the clinical significance of this alteration remains unclear.

NM_052947.4(ALPK2):c.2702C>T (p.Thr901Ile)

Gene: ALPK2 (alpha kinase 2; minus strand). Cytogenetic location: 18q21.31.
Variant type: single nucleotide variant.
Coding change: c.2702C>T on transcript NM_052947.4 (MANE Select); coding-DNA position 2702, C replaced by T.
Protein change: p.Thr901Ile; replaces threonine 901 with isoleucine.
Molecular consequence: missense variant.
Genome position (GRCh38, 1-based): chr18:58,537,485, G>A on the plus strand (C>T on the coding strand, the complement: ALPK2 is on the minus strand). VCF-style: chr18-58537485-G-A. GRCh37 (hg19) VCF-style: chr18-56204717-G-A.
Other names: short protein forms T901I.
Identifiers: ClinVar variation 2449267 (VCV002449267.2), dbSNP rs759792575, ClinGen allele CA402569962.